The following is an entry in ClinVar:

NM_016169.4(SUFU):c.39C>T (p.Thr13=)

Genes: SUFU (SUFU negative regulator of hedgehog signaling; plus strand), LOC130004614 (ATAC-STARR-seq lymphoblastoid silent region 2764; plus strand). Cytogenetic location: 10q24.32.
Variant type: single nucleotide variant.
Coding change: c.39C>T on transcript NM_016169.4 (MANE Select); coding-DNA position 39, C replaced by T.
Protein change: p.Thr13=; no amino-acid change (threonine 13 retained).
Molecular consequence: synonymous variant.
Genome position (GRCh38, 1-based): chr10:102,504,191, C>T. VCF-style: chr10-102504191-C-T. GRCh37 (hg19) VCF-style: chr10-104263948-C-T.
Other names: c.39C>T, p.Thr13= (NM_001178133.2).
Identifiers: ClinVar variation 1736863 (VCV001736863.11), dbSNP rs2062289462, ClinGen allele CA471304799.

ClinVar aggregate classification (germline): Likely benign. Review status: criteria provided, multiple submitters, no conflicts (2 of 4 stars). 3 submissions from 3 submitters: Likely benign (3). Last evaluated 2025-10-13.

Conditions:
Gorlin syndrome. Also called: Basal cell nevus syndrome; Nevoid Basal Cell Carcinoma Syndrome. Identifiers: Orphanet 377, MedGen C0004779, MONDO:0007187.
Medulloblastoma (MDB). Also called: Medulloblastoma, somatic; MEDULLOBLASTOMA PREDISPOSITION SYNDROME. Identifiers: Orphanet 616, MedGen C0025149, MeSH D008527, MONDO:0007959, OMIM 155255, HP:0002885.
Hereditary cancer-predisposing syndrome. Also called: Hereditary neoplastic syndrome; Tumor predisposition; Neoplastic Syndromes, Hereditary; Hereditary Cancer Syndrome. Identifiers: Orphanet 140162, MedGen C0027672, MeSH D009386, MONDO:0015356.

Allele frequency attached by ClinVar (database versions not stated): gnomAD exomes below 0.00001.
gnomAD v4.1: 2 of 1,541,572 alleles (0.00013%); highest among the groups gnomAD compares: East Asian, 0.0024%; no homozygotes.

Submissions (3):

Labcorp Genetics (formerly Invitae), Labcorp
Classification: Likely benign for Gorlin syndrome; Medulloblastoma. Last evaluated: 2025-10-13. Review status: criteria provided, single submitter. Criteria: Invitae Variant Classification Sherloc (09022015). Collection method: clinical testing. Allele origin: germline.

CeGaT Center for Human Genetics Tuebingen
Classification: Likely benign. Last evaluated: 2025-08-01. Review status: criteria provided, single submitter. Criteria: CeGaT Center For Human Genetics Tuebingen Variant Classification Criteria Version 2. Collection method: clinical testing. Allele origin: germline. Affected: yes. Observed: 1 variant allele.
Comment: SUFU: BP4, BP7

Ambry Genetics
Classification: Likely benign for Hereditary cancer-predisposing syndrome. Last evaluated: 2021-06-24. Review status: criteria provided, single submitter. Criteria: Ambry Variant Classification Scheme 2023. Collection method: clinical testing. Allele origin: germline.